The following is an entry in ClinVar:

NM_001267550.2(TTN):c.14973T>C (p.Tyr4991=)

Gene: TTN (titin; minus strand). Cytogenetic location: 2q31.2.
Variant type: single nucleotide variant.
Coding change: c.14973T>C on transcript NM_001267550.2 (MANE Select); coding-DNA position 14973, T replaced by C.
Protein change: p.Tyr4991=; no amino-acid change (tyrosine 4991 retained).
Molecular consequence: synonymous variant. On other transcripts: intron variant (3).
Genome position (GRCh38, 1-based): chr2:178,734,951, A>G on the plus strand (T>C on the coding strand, the complement: TTN is on the minus strand). VCF-style: chr2-178734951-A-G. GRCh37 (hg19) VCF-style: chr2-179599678-A-G.
Other names: c.14022T>C, p.Tyr4674= (NM_001256850.1); c.11241T>C, p.Tyr3747= (NM_133378.4); c.13282+3131T>C (NM_003319.4); c.13858+3131T>C (NM_133437.4); c.13657+3131T>C (NM_133432.3).
Identifiers: ClinVar variation 332934 (VCV000332934.40), dbSNP rs761666344, ClinGen allele CA2002308.

ClinVar aggregate classification (germline): Conflicting classifications of pathogenicity. Review status: criteria provided, conflicting classifications (1 of 4 stars). 10 submissions from 6 submitters: Uncertain significance (3); Benign (1); Likely benign (5). 1 of the submissions does not count toward it. Last evaluated 2026-09-01.

Conditions:
Cardiomyopathy (CMYO). Also called: Cardiomyopathies. Identifiers: Orphanet 167848, MedGen C0878544, MONDO:0004994, HP:0001638. Inheritance: Various modes of inheritance.
Early-onset myopathy with fatal cardiomyopathy (CMYO5). Also called: Salih Myopathy; CONGENITAL MYOPATHY 5 WITH CARDIOMYOPATHY. Identifiers: Orphanet 289377, MedGen C2673677, MONDO:0012714, OMIM 611705. Disease mechanism: loss of function.
Myopathy, myofibrillar, 9, with early respiratory failure (MFM9). Also called: Hereditary myopathy with early respiratory failure; Myopathy, distal, with early respiratory failure, autosomal dominant; MYOPATHY, PROXIMAL, WITH EARLY RESPIRATORY MUSCLE INVOLVEMENT; EDSTROM MYOPATHY. Identifiers: Orphanet 178464, Orphanet 34521, MedGen C1863599, MONDO:0011362, OMIM 603689.
Autosomal recessive limb-girdle muscular dystrophy type 2J (LGMDR10). Also called: Limb-girdle muscular dystrophy, type 2J; MUSCULAR DYSTROPHY, LIMB-GIRDLE, AUTOSOMAL RECESSIVE 10. Identifiers: Orphanet 140922, MedGen C1837342, MONDO:0012127, OMIM 608807.
TTN-related disorder. Also called: TTN-related condition; TTN-related disease; TTN-related disorders.
Tibial muscular dystrophy (TMD). Also called: Tibial muscular dystrophy, tardive; Udd Distal Myopathy – Tibial Muscular Dystrophy; UDD MYOPATHY. Identifiers: Orphanet 609, MedGen C1838244, MONDO:0010870, OMIM 600334.
Dilated cardiomyopathy 1G (CMD1G). Identifiers: Orphanet 154, MedGen C1858763, MONDO:0011400, OMIM 604145.

Allele frequency attached by ClinVar (database versions not stated): TOPMed 0.00002; gnomAD 0.00003; gnomAD exomes 0.00005 and 0.00007; ExAC 0.00011.
gnomAD v4.1: 80 of 1,603,862 alleles (0.005%); highest among the groups gnomAD compares: Non-Finnish European, 0.0037%; no homozygotes.

Submissions (10):

CeGaT Center for Human Genetics Tuebingen
Classification: Likely benign. Last evaluated: 2026-09-01. Review status: criteria provided, single submitter. Criteria: CeGaT Center For Human Genetics Tuebingen Variant Classification Criteria Version 2. Collection method: clinical testing. Allele origin: germline. Affected: yes. Observed: 2 variant alleles.
Comment: TTN: BP4, BP7

Women's Health and Genetics/Laboratory Corporation of America, LabCorp
Classification: Likely benign. Last evaluated: 2026-05-24. Review status: criteria provided, single submitter. Criteria: LabCorp Variant Classification Summary - May 2015. Collection method: clinical testing. Allele origin: germline.

Labcorp Genetics (formerly Invitae), Labcorp
Classification: Likely benign for Dilated cardiomyopathy 1G; Autosomal recessive limb-girdle muscular dystrophy type 2J. Last evaluated: 2026-02-01. Review status: criteria provided, single submitter. Criteria: Invitae Variant Classification Sherloc (09022015). Collection method: clinical testing. Allele origin: germline.

CHEO Genetics Diagnostic Laboratory, Children's Hospital of Eastern Ontario
Classification: Likely benign for Cardiomyopathy. Last evaluated: 2023-06-27. Review status: criteria provided, single submitter. Criteria: ACMG Guidelines, 2015. Collection method: clinical testing. Allele origin: germline.

Illumina Laboratory Services, Illumina
Classification: Benign for Tibial muscular dystrophy. Last evaluated: 2018-01-13. Review status: criteria provided, single submitter. Criteria: ICSL Variant Classification Criteria 13 December 2019. Collection method: clinical testing. Allele origin: germline.
Comment: This variant was observed in the ICSL laboratory as part of a predisposition screen in an ostensibly healthy population. It had not been previously curated by ICSL or reported in the Human Gene Mutation Database (HGMD: prior to June 1st, 2018), and was therefore a candidate for classification through an automated scoring system. Utilizing variant allele frequency, disease prevalence and penetrance estimates, and inheritance mode, an automated score was calculated to assess if this variant is too frequent to cause the disease. Based on the score and internal cut-off values, a variant classified as benign is not then subjected to further curation. The score for this variant resulted in a classification of benign for this disease.

Illumina Laboratory Services, Illumina
Classification: Uncertain significance for Autosomal recessive limb-girdle muscular dystrophy type 2J. Last evaluated: 2018-01-13. Review status: criteria provided, single submitter. Criteria: ICSL Variant Classification Criteria 13 December 2019. Collection method: clinical testing. Allele origin: germline.

Illumina Laboratory Services, Illumina
Classification: Likely benign for Myopathy, myofibrillar, 9, with early respiratory failure. Last evaluated: 2018-01-13. Review status: criteria provided, single submitter. Criteria: ICSL Variant Classification Criteria 13 December 2019. Collection method: clinical testing. Allele origin: germline.
Comment: This variant was observed in the ICSL laboratory as part of a predisposition screen in an ostensibly healthy population. It had not been previously curated by ICSL or reported in the Human Gene Mutation Database (HGMD: prior to June 1st, 2018), and was therefore a candidate for classification through an automated scoring system. Utilizing variant allele frequency, disease prevalence and penetrance estimates, and inheritance mode, an automated score was calculated to assess if this variant is too frequent to cause the disease. Based on the score and internal cut-off values, a variant classified as likely benign is not then subjected to further curation. The score for this variant resulted in a classification of likely benign for this disease.

Illumina Laboratory Services, Illumina
Classification: Uncertain significance for Dilated cardiomyopathy 1G. Last evaluated: 2018-01-13. Review status: criteria provided, single submitter. Criteria: ICSL Variant Classification Criteria 13 December 2019. Collection method: clinical testing. Allele origin: germline.

Illumina Laboratory Services, Illumina
Classification: Uncertain significance for Early-onset myopathy with fatal cardiomyopathy. Last evaluated: 2018-01-13. Review status: criteria provided, single submitter. Criteria: ICSL Variant Classification Criteria 13 December 2019. Collection method: clinical testing. Allele origin: germline.

PreventionGenetics, part of Exact Sciences
Classification: Likely benign for TTN-related condition. Last evaluated: 2019-09-10. Review status: no assertion criteria provided. Collection method: clinical testing. Allele origin: germline. Not counted in ClinVar's aggregate classification.
Comment: This variant is classified as likely benign based on ACMG/AMP sequence variant interpretation guidelines (Richards et al. 2015 PMID: 25741868, with internal and published modifications).